The following is an entry in ClinVar:

ClinVar aggregate classification (germline): Pathogenic (1 of 4 stars; one submission).

Conditions:
Renal tubulopathies.

Submission:

Genetics Laboratory, Great Ormond Street Hospital NHS Foundation Trust, North Thames Genomic Laboratory Hub
Classification: Pathogenic for Renal tubulopathies. Last evaluated: 2026-08-29. Review status: criteria provided, single submitter. Criteria: ACGS Best Practice Guidelines for Variant Classification in Rare Disease 2024 v1.2. Collection method: clinical testing. Allele origin: germline. Affected: yes.
Comment: PM2_moderate, PVS1_very-strong, PP4_supporting

NM_017662.5(TRPM6):c.3883del (p.Val1295fs)

Gene: TRPM6 (transient receptor potential cation channel subfamily M member 6; minus strand). Cytogenetic location: 9q21.13.
Variant type: Deletion.
Coding change: c.3883del on transcript NM_017662.5 (MANE Select); coding-DNA position 3883, one base deleted (G; older notation c.3883delG).
Protein change: p.Val1295fs; shifts the reading frame from valine 1295.
Molecular consequence: frameshift variant.
Genome position (GRCh38, 1-based): chr9:74,762,788, C deleted on the plus strand (G on the coding strand, the reverse complement: TRPM6 is on the minus strand). VCF-style (leftmost placement, unchanged base first): chr9-74762787-AC-A. GRCh37 (hg19) VCF-style: chr9-77377703-AC-A.
Other names: c.3868del, p.Val1290fs (NM_001177310.2, NM_001177311.2); short protein forms V1290fs, V1295fs.
Identifiers: ClinVar variation 5037947 (VCV005037947.1).